The following is an entry in ClinVar:

NM_005732.4(RAD50):c.1741C>T (p.His581Tyr)

Gene: RAD50 (RAD50 double strand break repair protein; plus strand). Cytogenetic location: 5q31.1.
Variant type: single nucleotide variant.
Coding change: c.1741C>T on transcript NM_005732.4 (MANE Select); coding-DNA position 1741, C replaced by T.
Protein change: p.His581Tyr; replaces histidine 581 with tyrosine.
Molecular consequence: missense variant.
Genome position (GRCh38, 1-based): chr5:132,591,982, C>T. VCF-style: chr5-132591982-C-T. GRCh37 (hg19) VCF-style: chr5-131927674-C-T.
Other names: short protein forms H581Y.
Identifiers: ClinVar variation 2184314 (VCV002184314.4), dbSNP rs772329354, ClinGen allele CA360946583.

ClinVar aggregate classification (germline): Uncertain significance (1 of 4 stars; one submission).

Conditions:
Hereditary cancer-predisposing syndrome. Also called: Hereditary Cancer Syndrome; Neoplastic Syndromes, Hereditary; Tumor predisposition; Hereditary neoplastic syndrome. Identifiers: Orphanet 140162, MedGen C0027672, MeSH D009386, MONDO:0015356.

Submission:

Labcorp Genetics (formerly Invitae), Labcorp
Classification: Uncertain significance for Hereditary cancer-predisposing syndrome. Last evaluated: 2022-08-13. Review status: criteria provided, single submitter. Criteria: Invitae Variant Classification Sherloc (09022015). Collection method: clinical testing. Allele origin: germline.
Comment: This sequence change replaces histidine, which is basic and polar, with tyrosine, which is neutral and polar, at codon 581 of the RAD50 protein (p.His581Tyr). Algorithms developed to predict the effect of missense changes on protein structure and function (SIFT, PolyPhen-2, Align-GVGD) all suggest that this variant is likely to be tolerated. In summary, the available evidence is currently insufficient to determine the role of this variant in disease. Therefore, it has been classified as a Variant of Uncertain Significance. This variant has not been reported in the literature in individuals affected with RAD50-related conditions. This variant is not present in population databases (gnomAD no frequency).